The following is an entry in ClinVar:

ClinVar aggregate classification (germline): Conflicting classifications of pathogenicity. Review status: criteria provided, conflicting classifications (1 of 4 stars). 30 submissions from 30 submitters: Uncertain significance (1); Benign (16); Likely benign (1). 12 of the submissions do not count toward it. Last evaluated 2026-09-01.

Conditions:
Hereditary cancer-predisposing syndrome. Also called: Neoplastic Syndromes, Hereditary; Hereditary Cancer Syndrome; Tumor predisposition; Hereditary neoplastic syndrome. Identifiers: Orphanet 140162, MedGen C0027672, MeSH D009386, MONDO:0015356.
Breast and/or ovarian cancer. Identifiers: MedGen CN221562.
Familial cancer of breast. Also called: hereditary breast carcinoma; BREAST CANCER, FAMILIAL; Hereditary breast cancer. Identifiers: Orphanet 227535, MedGen C0346153, MONDO:0016419, OMIM 114480. Disease mechanism: loss of function.
Fanconi anemia complementation group N. Also called: PALB2-Related Fanconi Anemia. Identifiers: Orphanet 84, MedGen C1835817, MONDO:0012565, OMIM 610832. Disease mechanism: loss of function.
Malignant tumor of breast. Also called: Malignant breast neoplasm; Cancer breast. Identifiers: MedGen C0006142, MONDO:0007254. Disease mechanism: loss of function.

Allele frequency attached by ClinVar (database versions not stated): 1000 Genomes Project 30x 0.00656; 1000 Genomes Project 0.00679; TOPMed 0.01104; ESP Exome Variant Server 0.01424; ExAC 0.01427; gnomAD 0.01474 and 0.01508.

Submissions 1 to 24 of 30:

CeGaT Center for Human Genetics Tuebingen
Classification: Benign. Last evaluated: 2026-09-01. Review status: criteria provided, single submitter. Criteria: CeGaT Center For Human Genetics Tuebingen Variant Classification Criteria Version 2. Collection method: clinical testing. Allele origin: germline. Affected: yes. Observed: 157 variant alleles.
Comment: PALB2: BP4, BS1, BS2

Labcorp Genetics (formerly Invitae), Labcorp
Classification: Benign for Familial cancer of breast. Last evaluated: 2026-02-04. Review status: criteria provided, single submitter. Criteria: Invitae Variant Classification Sherloc (09022015). Collection method: clinical testing. Allele origin: germline.

Mayo Clinic Laboratories, Mayo Clinic
Classification: Benign. Last evaluated: 2025-07-29. Review status: criteria provided, single submitter. Criteria: ACMG Guidelines, 2015. Collection method: clinical testing. Allele origin: germline. Observed: 55 variant alleles.
Comment: BA1, BP1

ARUP Laboratories, Molecular Genetics and Genomics, ARUP Laboratories
Classification: Benign. Last evaluated: 2025-07-18. Review status: criteria provided, single submitter. Criteria: ARUP Molecular Germline Variant Investigation Process 2024. Collection method: clinical testing. Allele origin: germline.

Center for Genomic Medicine, Rigshospitalet, Copenhagen University Hospital
Classification: Benign. Last evaluated: 2025-03-04. Review status: criteria provided, single submitter. Criteria: ACMG Guidelines, 2015. Collection method: clinical testing. Allele origin: germline.

Blueprint Genetics
Classification: Benign. Last evaluated: 2024-11-26. Review status: criteria provided, single submitter. Criteria: ACMG Guidelines, 2015. Collection method: clinical testing. Allele origin: germline.

Myriad Genetics, Inc.
Classification: Benign for Familial cancer of breast. Last evaluated: 2023-05-10. Review status: criteria provided, single submitter. Criteria: Myriad Autosomal Dominant, Autosomal Recessive and X-Linked Classification Criteria (2023). Collection method: clinical testing. Allele origin: unknown.
Comment: This variant is considered benign. This variant has been observed at a population frequency that is significantly greater than expected given the associated disease prevalence and penetrance.

Color Diagnostics, LLC DBA Color Health
Classification: Benign for Hereditary cancer-predisposing syndrome. Last evaluated: 2022-01-02. Review status: criteria provided, single submitter. Criteria: ACMG Guidelines, 2015. Collection method: clinical testing. Allele origin: germline.

Sema4
Classification: Benign for Hereditary cancer-predisposing syndrome. Last evaluated: 2021-05-12. Review status: criteria provided, single submitter. Criteria: Sema4 Curation Guidelines. Collection method: curation. Allele origin: germline.

CHEO Genetics Diagnostic Laboratory, Children's Hospital of Eastern Ontario
Classification: Benign for Breast and/or ovarian cancer. Last evaluated: 2020-01-14. Review status: criteria provided, single submitter. Criteria: ACMG Guidelines, 2015. Collection method: clinical testing. Allele origin: germline.

Institute for Biomarker Research, Medical Diagnostic Laboratories, L.L.C.
Classification: Likely benign for Hereditary cancer-predisposing syndrome. Last evaluated: 2018-05-23. Review status: criteria provided, single submitter. Criteria: ACMG Guidelines, 2015. Collection method: clinical testing. Allele origin: germline.

Illumina Laboratory Services, Illumina
Classification: Benign for Fanconi anemia complementation group N. Last evaluated: 2018-03-06. Review status: criteria provided, single submitter. Criteria: ICSL Variant Classification Criteria 13 December 2019. Collection method: clinical testing. Allele origin: germline.
Comment: This variant was observed in the ICSL laboratory as part of a predisposition screen in an ostensibly healthy population. It had not been previously curated by ICSL or reported in the Human Gene Mutation Database (HGMD: prior to June 1st, 2018), and was therefore a candidate for classification through an automated scoring system. Utilizing variant allele frequency, disease prevalence and penetrance estimates, and inheritance mode, an automated score was calculated to assess if this variant is too frequent to cause the disease. Based on the score and internal cut-off values, a variant classified as benign is not then subjected to further curation. The score for this variant resulted in a classification of benign for this disease.

Vantari Genetics
Classification: Benign for Hereditary cancer-predisposing syndrome. Last evaluated: 2015-12-03. Review status: criteria provided, single submitter. Criteria: ACMG Guidelines, 2015. Collection method: clinical testing. Allele origin: germline.

Genomic Diagnostic Laboratory, Division of Genomic Diagnostics, Children's Hospital of Philadelphia
Classification: Benign. Last evaluated: 2015-07-29. Review status: criteria provided, single submitter. Criteria: DGD Variant Analysis Guidelines. Collection method: clinical testing. Allele origin: unknown.

Cancer Genetics Laboratory, Peter MacCallum Cancer Centre
Classification: Uncertain significance for Familial cancer of breast. Last evaluated: 2015-06-01. Review status: criteria provided, single submitter. Criteria: Thompson et al. (Breast Cancer Res. 2015). Collection method: case-control. Allele origin: germline. Affected: yes and no. Observed: 181 variant alleles, 179 heterozygotes, 2 homozygotes.

Ambry Genetics
Classification: Benign for Hereditary cancer-predisposing syndrome. Last evaluated: 2014-11-18. Review status: criteria provided, single submitter. Criteria: Ambry Variant Classification Scheme 2023. Collection method: clinical testing. Allele origin: germline.

GeneDx
Classification: Benign. Last evaluated: 2013-09-11. Review status: criteria provided, single submitter. Criteria: GeneDx Variant Classification (06012015). Collection method: clinical testing. Allele origin: germline. Affected: yes.
Comment: This variant is considered likely benign or benign based on one or more of the following criteria: it is a conservative change, it occurs at a poorly conserved position in the protein, it is predicted to be benign by multiple in silico algorithms, and/or has population frequency not consistent with disease.

PreventionGenetics, part of Exact Sciences
Classification: Benign. Review status: criteria provided, single submitter. Criteria: ACMG Guidelines, 2015. Collection method: clinical testing. Allele origin: germline.

Leiden Open Variation Database
Classification: Benign. Last evaluated: 2019-08-07. Review status: no assertion criteria provided. Collection method: curation. Allele origin: germline. Affected: no. Not counted in ClinVar's aggregate classification.
Comment: Curators: Marc Tischkowitz, Arleen D. Auerbach. Submitters to LOVD: Marc Tischkowitz, Maximiliano Zeballos, Melissa DeRycke.

True Health Diagnostics
Classification: Likely benign for Hereditary cancer-predisposing syndrome. Last evaluated: 2018-01-12. Review status: no assertion criteria provided. Collection method: clinical testing. Allele origin: germline. Not counted in ClinVar's aggregate classification.

Counsyl
Classification: Benign for Familial cancer of breast. Last evaluated: 2016-03-23. Review status: no assertion criteria provided. Collection method: clinical testing. Allele origin: unknown. Not counted in ClinVar's aggregate classification.

Pathway Genomics
Classification: Benign for Breast carcinoma. Last evaluated: 2014-11-06. Review status: no assertion criteria provided. Collection method: clinical testing. Allele origin: germline. Not counted in ClinVar's aggregate classification.

ITMI
No classification provided. Condition: AllHighlyPenetrant. Last evaluated: 2013-09-19. Review status: no classification provided. Collection method: reference population. Allele origin: germline. Not counted in ClinVar's aggregate classification.
Comment: Please see associated publication for description of ethnicities

Clinical Genetics Laboratory, Department of Pathology, Netherlands Cancer Institute
Classification: Benign. Review status: no assertion criteria provided. Collection method: clinical testing. Allele origin: germline. Affected: yes. Study: VKGL Data-share Consensus. Not counted in ClinVar's aggregate classification.

NM_024675.4(PALB2):c.1010T>C (p.Leu337Ser)

Gene: PALB2 (partner and localizer of BRCA2; minus strand). Cytogenetic location: 16p12.2.
Variant type: single nucleotide variant.
Coding change: c.1010T>C on transcript NM_024675.4 (MANE Select); coding-DNA position 1010, T replaced by C.
Protein change: p.Leu337Ser; replaces leucine 337 with serine.
Molecular consequence: missense variant.
Genome position (GRCh38, 1-based): chr16:23,635,536, A>G on the plus strand (T>C on the coding strand, the complement: PALB2 is on the minus strand). VCF-style: chr16-23635536-A-G. GRCh37 (hg19) VCF-style: chr16-23646857-A-G.
Other names: p.L337S:TTA>TCA; short protein forms L337S.
Identifiers: ClinVar variation 126582 (VCV000126582.90), dbSNP rs45494092, ClinGen allele CA151212.